The following is an entry in ClinVar:

ClinVar aggregate classification (germline): Conflicting classifications of pathogenicity. Review status: criteria provided, conflicting classifications (1 of 4 stars). 2 submissions from 2 submitters: Uncertain significance (1); Likely benign (1). Last evaluated 2025-08-03.

Conditions:
Inborn genetic diseases. Identifiers: MedGen C0950123, MeSH D030342.
Rothmund-Thomson syndrome type 2 (RTS2). Identifiers: Orphanet 221016, MedGen C5203410, MONDO:0016369, OMIM 268400.

Submissions (2):

Ambry Genetics
Classification: Likely benign for Inborn genetic diseases. Last evaluated: 2025-08-03. Review status: criteria provided, single submitter. Criteria: Ambry Variant Classification Scheme 2023. Collection method: clinical testing. Allele origin: germline.

St. Jude Molecular Pathology, St. Jude Children's Research Hospital
Classification: Uncertain significance for Rothmund-Thomson syndrome type 2. Last evaluated: 2022-10-04. Review status: criteria provided, single submitter. Criteria: St. Jude Assertion Criteria 2020. Collection method: clinical testing. Allele origin: germline.
Comment: The RECQL4 c.3338G>C (p.Gly1113Arg) missense change is absent in gnomAD v2.1.1. The in silico tool REVEL predicts a benign effect on protein function, but to our knowledge this prediction has not been confirmed by functional studies. To our knowledge, this variant has not been reported in individuals with RECQL4-associated conditions. In summary, the evidence currently available is insufficient to determine the clinical significance of this variant. It has therefore been classified as of uncertain significance.

NM_004260.4(RECQL4):c.3338G>C (p.Gly1113Ala)

Gene: RECQL4 (RecQ like helicase 4; minus strand). Cytogenetic location: 8q24.3.
Variant type: single nucleotide variant.
Coding change: c.3338G>C on transcript NM_004260.4 (MANE Select); coding-DNA position 3338, G replaced by C.
Protein change: p.Gly1113Ala; replaces glycine 1113 with alanine.
Molecular consequence: missense variant.
Genome position (GRCh38, 1-based): chr8:144,511,966, C>G on the plus strand (G>C on the coding strand, the complement: RECQL4 is on the minus strand). VCF-style: chr8-144511966-C-G. GRCh37 (hg19) VCF-style: chr8-145737349-C-G.
Other names: short protein forms G1113A.
Identifiers: ClinVar variation 1710954 (VCV001710954.3), dbSNP rs572936673, ClinGen allele CA372668490.
Genomic context (GRCh38, chr8:144,511,966, plus strand): 5'-CTCACTCTGGCCTGCCCTGGCTCGGGGCCCTGTGCGTCCTCCATGCCTCCCGGCTCCTGC[C>G]CTTCCTCTTCCTCAAAGTAGCGGCCGAGCAGGTCCTTGAGCCTGGTGCTGCGCTCCTCAT-3'
Protein context (NP_004251.4, residues 1103-1123): LLGRYFEEEE[Gly1113Ala]QEPGGMEDAQ